The following is an entry in ClinVar:

ClinVar aggregate classification (germline): Uncertain significance. Review status: criteria provided, multiple submitters, no conflicts (2 of 4 stars). 2 submissions from 2 submitters: Uncertain significance (2). Last evaluated 2024-02-17.

Conditions:
Congenital contractural arachnodactyly (CCA). Also called: Beals-Hecht syndrome; Arthrogryposis, distal, type 9; BEALS SYNDROME. Identifiers: Orphanet 115, MedGen C0220668, MONDO:0007363, OMIM 121050.

gnomAD v4.1: 1 of 1,613,426 alleles (0.000062%); highest among the groups gnomAD compares: South Asian, 0.0011%; no homozygotes.

Submissions (2):

Labcorp Genetics (formerly Invitae), Labcorp
Classification: Uncertain significance for Congenital contractural arachnodactyly. Last evaluated: 2024-02-17. Review status: criteria provided, single submitter. Criteria: Invitae Variant Classification Sherloc (09022015). Collection method: clinical testing. Allele origin: germline.
Comment: This sequence change replaces threonine, which is neutral and polar, with arginine, which is basic and polar, at codon 1526 of the FBN2 protein (p.Thr1526Arg). This variant is not present in population databases (gnomAD no frequency). This variant has not been reported in the literature in individuals affected with FBN2-related conditions. ClinVar contains an entry for this variant (Variation ID: 1463539). Advanced modeling of protein sequence and biophysical properties (such as structural, functional, and spatial information, amino acid conservation, physicochemical variation, residue mobility, and thermodynamic stability) performed at Invitae indicates that this missense variant is not expected to disrupt FBN2 protein function with a negative predictive value of 80%. In summary, the available evidence is currently insufficient to determine the role of this variant in disease. Therefore, it has been classified as a Variant of Uncertain Significance.

GeneDx
Classification: Uncertain significance. Last evaluated: 2022-10-19. Review status: criteria provided, single submitter. Criteria: GeneDx Variant Classification Process June 2021. Collection method: clinical testing. Allele origin: germline. Affected: yes.
Comment: Has not been previously published as pathogenic or benign to our knowledge; Not observed at significant frequency in large population cohorts (gnomAD); In silico analysis supports that this missense variant has a deleterious effect on protein structure/function; Although located in a calcium-binding EGF-like domain of the FBN2 gene, it does not substitute or introduce a cysteine residue (Callewaert et al., 2009; Frederic et al., 2009); This variant is associated with the following publications: (PMID: 19006240, 18767143)

NM_001999.4(FBN2):c.4577C>G (p.Thr1526Arg)

Gene: FBN2 (fibrillin 2; minus strand). Cytogenetic location: 5q23.3.
Variant type: single nucleotide variant.
Coding change: c.4577C>G on transcript NM_001999.4 (MANE Select); coding-DNA position 4577, C replaced by G.
Protein change: p.Thr1526Arg; replaces threonine 1526 with arginine.
Molecular consequence: missense variant.
Genome position (GRCh38, 1-based): chr5:128,318,896, G>C on the plus strand (C>G on the coding strand, the complement: FBN2 is on the minus strand). VCF-style: chr5-128318896-G-C. GRCh37 (hg19) VCF-style: chr5-127654588-G-C.
Other names: c.4577C>G (NM_001999.3); short protein forms T1526R.
Identifiers: ClinVar variation 1463539 (VCV001463539.8), dbSNP rs2126854542, ClinGen allele CA360750222.